The following is an entry in ClinVar:

ClinVar aggregate classification (germline): Uncertain significance (1 of 4 stars; one submission).

Submission:

Ambry Genetics
Classification: Uncertain significance. Last evaluated: 2025-01-15. Review status: criteria provided, single submitter. Criteria: Ambry Variant Classification Scheme 2023. Collection method: clinical testing. Allele origin: germline.
Comment: The p.Q1083K variant (also known as c.3247C>A), located in coding exon 1 of the TET2 gene, results from a C to A substitution at nucleotide position 3247. The glutamine at codon 1083 is replaced by lysine, an amino acid with similar properties. This amino acid position is conserved. In addition, this alteration is predicted to be tolerated by in silico analysis. Based on the available evidence, the clinical significance of this variant remains unclear.

NM_001127208.3(TET2):c.3247C>A (p.Gln1083Lys)

Genes: TET2 (tet methylcytosine dioxygenase 2; plus strand), TET2-AS1 (TET2 antisense RNA 1; minus strand). Cytogenetic location: 4q24.
Variant type: single nucleotide variant.
Coding change: c.3247C>A on transcript NM_001127208.3 (MANE Select); coding-DNA position 3247, C replaced by A.
Protein change: p.Gln1083Lys; replaces glutamine 1083 with lysine.
Molecular consequence: missense variant.
Genome position (GRCh38, 1-based): chr4:105,237,189, C>A. VCF-style: chr4-105237189-C-A. GRCh37 (hg19) VCF-style: chr4-106158346-C-A.
Other names: c.3247C>A, p.Gln1083Lys (NM_017628.4); short protein forms Q1083K.
Identifiers: ClinVar variation 3805965 (VCV003805965.1).
Genomic context (GRCh38, chr4:105,237,189, plus strand): 5'-ACAGTTTTGACTAGACAAACCACTGCTGCAGAACTTGATAGCCACACCCCAGCTTTAGAG[C>A]AGCAAACAACTTCTTCAGAAAAGACACCAACCAAAAGAACAGCTGCTTCTGTTCTCAATA-3'
Protein context (NP_001120680.1, residues 1073-1093): ELDSHTPALE[Gln1083Lys]QTTSSEKTPT